The following is an entry in ClinVar:

NM_014727.3(KMT2B):c.6528C>G (p.Ser2176Arg)

Gene: KMT2B (lysine methyltransferase 2B; plus strand). Cytogenetic location: 19q13.12.
Variant type: single nucleotide variant.
Coding change: c.6528C>G on transcript NM_014727.3 (MANE Select); coding-DNA position 6528, C replaced by G.
Protein change: p.Ser2176Arg; replaces serine 2176 with arginine.
Molecular consequence: missense variant.
Genome position (GRCh38, 1-based): chr19:35,733,077, C>G. VCF-style: chr19-35733077-C-G. GRCh37 (hg19) VCF-style: chr19-36223978-C-G.
Other names: short protein forms S2176R.
Identifiers: ClinVar variation 2630787 (VCV002630787.1), dbSNP rs1250491259, ClinGen allele CA405429093.

ClinVar aggregate classification (germline): Uncertain significance (1 of 4 stars; one submission).

Conditions:
KMT2B-related disorder. Also called: KMT2B-related condition; KMT2B-related disorders. Identifiers: MedGen CN381338.

Allele frequency attached by ClinVar (database versions not stated): TOPMed 0.00001.
gnomAD v4.1: 3 of 1,570,944 alleles (0.00019%); highest among the groups gnomAD compares: African/African-American, 0.0027%; no homozygotes.

Submission:

PreventionGenetics, part of Exact Sciences
Classification: Uncertain significance for KMT2B-related condition. Last evaluated: 2023-09-13. Review status: criteria provided, single submitter. Criteria: ACMG Guidelines, 2015. Collection method: clinical testing. Allele origin: germline.
Comment: The KMT2B c.6528C>G variant is predicted to result in the amino acid substitution p.Ser2176Arg. To our knowledge, this variant has not been reported in the literature or in a large population database, indicating this variant is rare. At this time, the clinical significance of this variant is uncertain due to the absence of conclusive functional and genetic evidence.